The following is an entry in ClinVar:

NM_001009944.3(PKD1):c.3006G>C (p.Val1002=)

Gene: PKD1 (polycystin 1, transient receptor potential channel interacting; minus strand). Cytogenetic location: 16p13.3.
Variant type: single nucleotide variant.
Coding change: c.3006G>C on transcript NM_001009944.3 (MANE Select); coding-DNA position 3006, G replaced by C.
Protein change: p.Val1002=; no amino-acid change (valine 1002 retained).
Molecular consequence: synonymous variant.
Genome position (GRCh38, 1-based): chr16:2,112,943, C>G on the plus strand (G>C on the coding strand, the complement: PKD1 is on the minus strand). VCF-style: chr16-2112943-C-G. GRCh37 (hg19) VCF-style: chr16-2162944-C-G.
Other names: c.3006G>C, p.Val1002= (NM_000296.4).
Identifiers: ClinVar variation 256940 (VCV000256940.33), dbSNP rs143013095, ClinGen allele CA7832989.

ClinVar aggregate classification (germline): Likely benign. Review status: criteria provided, multiple submitters, no conflicts (2 of 4 stars). 7 submissions from 7 submitters: Likely benign (5). 2 of the submissions do not count toward it. Last evaluated 2026-01-30.

Conditions:
PKD1-related disorder. Also called: PKD1-related condition.
Polycystic kidney disease, adult type (PKD1). Also called: POLYCYSTIC KIDNEY DISEASE 1 WITH OR WITHOUT POLYCYSTIC LIVER DISEASE; Polycystic Kidney Disease 1, Autosomal Dominant; Polycystic kidney disease 1; Polycystic kidney disease 1, severe; Polycystic Kidney, Autosomal Dominant; POLYCYSTIC KIDNEY DISEASE, ADULT, TYPE I. Identifiers: MedGen C3149841, MONDO:0008263, OMIM 173900.
Polycystic kidney disease. Also called: Kidney, Polycystic; Polycystic kidney dysplasia. Identifiers: MedGen C0022680, MeSH D007690, MONDO:0020642, HP:0000113.

Allele frequency attached by ClinVar (database versions not stated): 1000 Genomes Project 30x 0.00031; 1000 Genomes Project 0.00040; ESP Exome Variant Server 0.00062; TOPMed 0.00076; gnomAD 0.00108 and 0.00239.
gnomAD v4.1: 1,516 of 1,601,998 alleles (0.095%); highest among the groups gnomAD compares: Non-Finnish European, 0.096%; 4 homozygotes.

Submissions (7):

Women's Health and Genetics/Laboratory Corporation of America, LabCorp
Classification: Likely benign. Last evaluated: 2026-01-30. Review status: criteria provided, single submitter. Criteria: LabCorp Variant Classification Summary - May 2015. Collection method: clinical testing. Allele origin: germline.

Blueprint Genetics
Classification: Likely benign. Last evaluated: 2024-11-14. Review status: criteria provided, single submitter. Criteria: ACMG Guidelines, 2015. Collection method: clinical testing. Allele origin: germline.

CeGaT Center for Human Genetics Tuebingen
Classification: Likely benign. Last evaluated: 2024-09-01. Review status: criteria provided, single submitter. Criteria: CeGaT Center For Human Genetics Tuebingen Variant Classification Criteria Version 2. Collection method: clinical testing. Allele origin: germline. Affected: yes. Observed: 3 variant alleles.
Comment: PKD1: BP4, BP7

Fulgent Genetics
Classification: Likely benign for Polycystic kidney disease, adult type. Last evaluated: 2021-10-25. Review status: criteria provided, single submitter. Criteria: ACMG Guidelines, 2015. Collection method: clinical testing. Allele origin: unknown.

GeneDx
Classification: Likely benign. Last evaluated: 2021-03-12. Review status: criteria provided, single submitter. Criteria: GeneDx Variant Classification Process June 2021. Collection method: clinical testing. Allele origin: germline. Affected: yes.

PreventionGenetics, part of Exact Sciences
Classification: Benign for PKD1-related condition. Last evaluated: 2020-07-12. Review status: no assertion criteria provided. Collection method: clinical testing. Allele origin: germline. Not counted in ClinVar's aggregate classification.
Comment: This variant is classified as benign based on ACMG/AMP sequence variant interpretation guidelines (Richards et al. 2015 PMID: 25741868, with internal and published modifications).

Department of Pathology and Laboratory Medicine, Sinai Health System
Classification: Likely benign for Polycystic Kidney disease. Review status: no assertion criteria provided. Collection method: clinical testing. Allele origin: unknown. Affected: yes. Observed: 1 variant allele. Study: The Canadian Open Genetics Repository (COGR). Not counted in ClinVar's aggregate classification.
Comment: The PKD1 c.3006G>C variant was not identified in the literature nor was it identified in the Clinvitae, ClinVar, GeneInsight COGR, MutDB, PKD1-LOVD, and PKD1-LOVD 3.0 databases. The variant was identified in dbSNP (ID: rs143013095) as â€šÃ„ÃºN/Aâ€šÃ„Ã¹, and the ADPKD Mutation Database (classified as likely neutral by Athena Diagnostics). This variant was also identified in the 1000 Genomes Project in 2 of 5000 chromosomes (frequency: 0.0004), NHLBI GO Exome Sequencing Project in 8 of 8600 European American alleles, the Exome Aggregation Consortium database (August 8, 2016) in 136 of 119208 chromosomes (freq. 0.001) in the following populations: European in 122 of 65136 chromosomes (freq. 0.002), Finnish in 11 of 6556 chromosomes (freq. 0.002), Latino in 2 of 11502 chromosomes (freq. 0.0002) and Other in 1 of 880 chromosomes (freq. 0.001), although this low number of observations and low frequency is not substantive enough to determine the prevalence of the variant in the general population and its relationship to disease. The p.Val1002Val variant is not expected to have clinical significance because it does not result in a change of amino acid and is not located in a known consensus splice site. The variant occurs outside of the splicing consensus sequence and 3 of 5 in silico or computational prediction software programs (SpliceSiteFinder, MaxEntScan, NNSPLICE, GeneSplicer, HumanSpliceFinder) predict a greater than 10% difference in splicing. However, this information is not predictive enough to assume pathogenicity. In summary, based on the above information, the clinical significance of this variant cannot be determined with certainty at this time although we would lean towards a more benign role for this variant. This variant is classified as likely benign.